The following is an entry in ClinVar:

NM_001042492.3(NF1):c.94dup (p.Thr32fs)

Gene: NF1 (neurofibromin 1; plus strand). Cytogenetic location: 17q11.2.
Variant type: Duplication.
Coding change: c.94dup on transcript NM_001042492.3 (MANE Select); coding-DNA position 94, one base duplicated (A; older notation c.94dupA).
Protein change: p.Thr32fs; shifts the reading frame from threonine 32.
Molecular consequence: frameshift variant.
Genome position (GRCh38, 1-based): chr17:31,156,016, A duplicated. VCF-style (leftmost placement, unchanged base first): chr17-31156015-T-TA. GRCh37 (hg19) VCF-style: chr17-29483033-T-TA.
Other names: c.94dup, p.Thr32Asnfs (NM_000267.4); c.94dup, p.Thr32fs (NM_001128147.3); short protein forms T32fs.
Identifiers: ClinVar variation 1454585 (VCV001454585.8), dbSNP rs2143625661, ClinGen allele CA2573153521.

ClinVar aggregate classification (germline): Pathogenic (1 of 4 stars; one submission).

Conditions:
Neurofibromatosis, type 1 (NF1). Also called: Neurofibromatosis, type I; VON RECKLINGHAUSEN DISEASE; NEUROFIBROMATOSIS, TYPE I, SOMATIC; Peripheral type neurofibromatosis. Identifiers: Orphanet 636, MedGen C0027831, MONDO:0018975, OMIM 162200. Disease mechanism: loss of function.

Submission:

Labcorp Genetics (formerly Invitae), Labcorp
Classification: Pathogenic for Neurofibromatosis, type 1. Last evaluated: 2020-12-20. Review status: criteria provided, single submitter. Criteria: Invitae Variant Classification Sherloc (09022015). Collection method: clinical testing. Allele origin: germline.
Comment: This variant has been reported in individuals in the Leiden Open-source Variation Database (PMID: 21520333). This variant is not present in population databases (ExAC no frequency). This sequence change creates a premature translational stop signal (p.Thr32Asnfs*6) in the NF1 gene. It is expected to result in an absent or disrupted protein product. Loss-of-function variants in NF1 are known to be pathogenic (PMID: 10712197, 23913538). For these reasons, this variant has been classified as Pathogenic.

Literature cited by the submitters: PubMed 21520333; PubMed 10712197; PubMed 23913538.